The following is an entry in ClinVar:

ClinVar aggregate classification (germline): Uncertain significance (1 of 4 stars; one submission).

Conditions:
CDK20-related disorder. Also called: CDK20-related condition.

Allele frequency attached by ClinVar (database versions not stated): TOPMed 0.00002.
gnomAD v4.1: 52 of 1,613,344 alleles (0.0032%); highest among the groups gnomAD compares: Non-Finnish European, 0.0042%; no homozygotes.

Submission:

PreventionGenetics, part of Exact Sciences
Classification: Uncertain significance for CDK20-related condition. Last evaluated: 2022-09-22. Review status: criteria provided, single submitter. Criteria: ACMG Guidelines, 2015. Collection method: clinical testing. Allele origin: germline.
Comment: The CDK20 c.643T>C variant is predicted to result in the amino acid substitution p.Tyr215His. To our knowledge, this variant has not been reported in the literature. This variant is reported in 0.00088% of alleles in individuals of European (Non-Finnish) descent in gnomAD. At this time, the clinical significance of this variant is uncertain due to the absence of conclusive functional and genetic evidence.

NM_001039803.3(CDK20):c.643T>C (p.Tyr215His)

Gene: CDK20 (cyclin dependent kinase 20; minus strand). Cytogenetic location: 9q22.1.
Variant type: single nucleotide variant.
Coding change: c.643T>C on transcript NM_001039803.3 (MANE Select); coding-DNA position 643, T replaced by C.
Protein change: p.Tyr215His; replaces tyrosine 215 with histidine.
Molecular consequence: missense variant. On other transcripts: intron variant (1).
Genome position (GRCh38, 1-based): chr9:87,969,840, A>G on the plus strand (T>C on the coding strand, the complement: CDK20 is on the minus strand). VCF-style: chr9-87969840-A-G. GRCh37 (hg19) VCF-style: chr9-90584755-A-G.
Other names: c.580T>C, p.Tyr194His (NM_001170639.2, NM_012119.5); c.619T>C, p.Tyr207His (NM_178432.4); c.501-491T>C (NM_001170640.2); short protein forms Y194H, Y207H, Y215H.
Identifiers: ClinVar variation 2631857 (VCV002631857.1), dbSNP rs1187315434, ClinGen allele CA373978217.